The following is an entry in ClinVar:

NM_001079802.2(FKTN):c.75G>T (p.Leu25Phe)

Gene: FKTN (fukutin; plus strand). Cytogenetic location: 9q31.2.
Variant type: single nucleotide variant.
Coding change: c.75G>T on transcript NM_001079802.2 (MANE Select); coding-DNA position 75, G replaced by T.
Protein change: p.Leu25Phe; replaces leucine 25 with phenylalanine.
Molecular consequence: missense variant. On other transcripts: 5 prime UTR variant (5), non-coding transcript variant (2).
Genome position (GRCh38, 1-based): chr9:105,575,107, G>T. VCF-style: chr9-105575107-G-T. GRCh37 (hg19) VCF-style: chr9-108337388-G-T.
Other names: c.75G>T, p.Leu25Phe (NM_001198963.2, NM_001351496.2, NM_001351498.2 and 1 more transcripts); c.-93G>T (NM_001351497.2); c.-440G>T (NM_001351499.2, NM_001351500.2, NM_001351501.2 and 1 more transcripts); short protein forms L25F.
Identifiers: ClinVar variation 3279000 (VCV003279000.1).
Genomic context (GRCh38, chr9:105,575,107, plus strand): 5'-TAAGAACGTGGTTTTGGCCCTTTTAACGCTGACAAGTTCTGCATTTCTGCTGTTTCAGTT[G>T]TACTACTACAAGCACTATTTATCAACAAAGGTAATTTTATTCCTTCTTTCTTATCATTCC-3'
Protein context (NP_001073270.1, residues 15-35): LTSSAFLLFQ[Leu25Phe]YYYKHYLSTK

ClinVar aggregate classification (germline): Uncertain significance (1 of 4 stars; one submission).

Conditions:
Cardiovascular phenotype. Identifiers: MedGen CN230736.

gnomAD v4.1: 2 of 1,606,230 alleles (0.00012%); highest among the groups gnomAD compares: Non-Finnish European, 0.00017%; no homozygotes.

Submission:

Ambry Genetics
Classification: Uncertain significance for Cardiovascular phenotype. Last evaluated: 2024-05-19. Review status: criteria provided, single submitter. Criteria: Ambry Variant Classification Scheme 2023. Collection method: clinical testing. Allele origin: germline.
Comment: The p.L25F variant (also known as c.75G>T), located in coding exon 1 of the FKTN gene, results from a G to T substitution at nucleotide position 75. The leucine at codon 25 is replaced by phenylalanine, an amino acid with highly similar properties. This amino acid position is conserved. In addition, the in silico prediction for this alteration is inconclusive. Based on the available evidence, the clinical significance of this variant remains unclear.